The following is an entry in ClinVar:

NM_001868.4(CPA1):c.463C>T (p.Arg155Cys)

Gene: CPA1 (carboxypeptidase A1; plus strand). Cytogenetic location: 7q32.2.
Variant type: single nucleotide variant.
Coding change: c.463C>T on transcript NM_001868.4 (MANE Select); coding-DNA position 463, C replaced by T.
Protein change: p.Arg155Cys; replaces arginine 155 with cysteine.
Molecular consequence: missense variant.
Genome position (GRCh38, 1-based): chr7:130,382,189, C>T. VCF-style: chr7-130382189-C-T. GRCh37 (hg19) VCF-style: chr7-130022030-C-T.
Other names: short protein forms R155C.
Identifiers: ClinVar variation 1742091 (VCV001742091.2), dbSNP rs2536006417, ClinGen allele CA369281216.

ClinVar aggregate classification (germline): Uncertain significance (1 of 4 stars; one submission).

Conditions:
Hereditary pancreatitis (PCTT). Also called: Hereditary chronic pancreatitis; PRSS1-Related Hereditary Pancreatitis. Identifiers: Orphanet 676, MedGen C0238339, MONDO:0008185, OMIM 167800.

Allele frequency attached by ClinVar (database versions not stated): gnomAD exomes below 0.00001.

Submission:

Ambry Genetics
Classification: Uncertain significance for Hereditary pancreatitis. Last evaluated: 2022-02-06. Review status: criteria provided, single submitter. Criteria: Ambry Variant Classification Scheme 2023. Collection method: clinical testing. Allele origin: germline.
Comment: The p.R155C variant (also known as c.463C>T), located in coding exon 4 of the CPA1 gene, results from a C to T substitution at nucleotide position 463. The arginine at codon 155 is replaced by cysteine, an amino acid with highly dissimilar properties. This amino acid position is conserved. In addition, this alteration is predicted to be deleterious by in silico analysis. Since supporting evidence is limited at this time, the clinical significance of this alteration remains unclear.